The following is an entry in ClinVar:

NM_001127671.2(LIFR):c.1601-1G>A

Gene: LIFR (LIF receptor subunit alpha; minus strand). Cytogenetic location: 5p13.1.
Variant type: single nucleotide variant.
Coding change: c.1601-1G>A on transcript NM_001127671.2 (MANE Select); the canonical splice acceptor site of the intron before coding-DNA position 1601, G replaced by A.
Molecular consequence: splice acceptor variant.
Genome position (GRCh38, 1-based): chr5:38,499,584, C>T on the plus strand (G>A on the coding strand, the complement: LIFR is on the minus strand). VCF-style: chr5-38499584-C-T. GRCh37 (hg19) VCF-style: chr5-38499686-C-T.
Other names: c.1601-1G>A (NM_002310.6, NM_001364298.2, NM_001364297.2).
Identifiers: ClinVar variation 1483005 (VCV001483005.6), dbSNP rs2112444143, ClinGen allele CA359541575.
Genomic context (GRCh38, chr5:38,499,584, plus strand): 5'-TTATTAAATTTTTTCCATCAGAACTCCACTCTCTCCAAGTATCAGGCCCCTTTGAAGGAC[C>T]TAAAAAGGAGATTTTAAAGTTAATATCTGAAGACACATACTATATGTATATGGTGCTTGG-3'

ClinVar aggregate classification (germline): Likely pathogenic (1 of 4 stars; one submission).

Submission:

Labcorp Genetics (formerly Invitae), Labcorp
Classification: Likely pathogenic. Last evaluated: 2021-08-12. Review status: criteria provided, single submitter. Criteria: Invitae Variant Classification Sherloc (09022015). Collection method: clinical testing. Allele origin: germline.
Comment: This sequence change affects an acceptor splice site in intron 11 of the LIFR gene. It is expected to disrupt RNA splicing. Variants that disrupt the donor or acceptor splice site typically lead to a loss of protein function (PMID: 16199547), and loss-of-function variants in LIFR are known to be pathogenic (PMID: 14740318). This variant is not present in population databases (ExAC no frequency). Disruption of this splice site has been observed in individual(s) with Stuve-Wiedemann syndrome (PMID: 14740318). Algorithms developed to predict the effect of sequence changes on RNA splicing suggest that this variant may disrupt the consensus splice site. In summary, the currently available evidence indicates that the variant is pathogenic, but additional data are needed to prove that conclusively. Therefore, this variant has been classified as Likely Pathogenic.

Literature cited by the submitters: PubMed 16199547; PubMed 14740318.